The following is an entry in ClinVar:

NM_024757.5(EHMT1):c.790C>G (p.Gln264Glu)

Gene: EHMT1 (euchromatic histone lysine methyltransferase 1; plus strand). Cytogenetic location: 9q34.3.
Variant type: single nucleotide variant.
Coding change: c.790C>G on transcript NM_024757.5 (MANE Select); coding-DNA position 790, C replaced by G.
Protein change: p.Gln264Glu; replaces glutamine 264 with glutamic acid.
Molecular consequence: missense variant.
Genome position (GRCh38, 1-based): chr9:137,728,496, C>G. VCF-style: chr9-137728496-C-G. GRCh37 (hg19) VCF-style: chr9-140622948-C-G.
Other names: c.790C>G, p.Gln264Glu (NM_001145527.2, NM_001354263.2, NM_001354611.2); c.697C>G, p.Gln233Glu (NM_001354259.2, NM_001354612.2); short protein forms Q233E, Q264E.
Identifiers: ClinVar variation 1017050 (VCV001017050.9), dbSNP rs1946822310, ClinGen allele CA375772681.

ClinVar aggregate classification (germline): Uncertain significance (1 of 4 stars; one submission).

Conditions:
Kleefstra syndrome 1 (KLEFS1). Identifiers: Orphanet 261494, MedGen C0795833, MONDO:0027407, OMIM 610253.

Submission:

Labcorp Genetics (formerly Invitae), Labcorp
Classification: Uncertain significance for Kleefstra syndrome 1. Last evaluated: 2023-10-08. Review status: criteria provided, single submitter. Criteria: Invitae Variant Classification Sherloc (09022015). Collection method: clinical testing. Allele origin: germline.
Comment: This sequence change replaces glutamine, which is neutral and polar, with glutamic acid, which is acidic and polar, at codon 264 of the EHMT1 protein (p.Gln264Glu). This variant is not present in population databases (gnomAD no frequency). This variant has not been reported in the literature in individuals affected with EHMT1-related conditions. ClinVar contains an entry for this variant (Variation ID: 1017050). An algorithm developed to predict the effect of missense changes on protein structure and function (PolyPhen-2) suggests that this variant is likely to be disruptive. In summary, the available evidence is currently insufficient to determine the role of this variant in disease. Therefore, it has been classified as a Variant of Uncertain Significance.